The following is an entry in ClinVar:

ClinVar aggregate classification (germline): Uncertain significance (1 of 4 stars; one submission).

gnomAD v4.1: 9 of 1,533,656 alleles (0.00059%); highest among the groups gnomAD compares: Admixed American, 0.0041%; no homozygotes.

Submission:

GeneDx
Classification: Uncertain significance. Last evaluated: 2023-07-21. Review status: criteria provided, single submitter. Criteria: GeneDx Variant Classification Process June 2021. Collection method: clinical testing. Allele origin: germline. Affected: yes.
Comment: In silico analysis supports that this missense variant does not alter protein structure/function; Has not been previously published as pathogenic or benign to our knowledge; Variants in candidate genes are classified as variants of uncertain significance in accordance with ACMG guidelines (Richards et al., 2015)

NM_022835.3(PLEKHG2):c.2531G>A (p.Arg844His)

Gene: PLEKHG2 (pleckstrin homology and RhoGEF domain containing G2; plus strand). Cytogenetic location: 19q13.2.
Variant type: single nucleotide variant.
Coding change: c.2531G>A on transcript NM_022835.3 (MANE Select); coding-DNA position 2531, G replaced by A.
Protein change: p.Arg844His; replaces arginine 844 with histidine.
Molecular consequence: missense variant. On other transcripts: intron variant (1).
Genome position (GRCh38, 1-based): chr19:39,423,585, G>A. VCF-style: chr19-39423585-G-A. GRCh37 (hg19) VCF-style: chr19-39914225-G-A.
Other names: c.2354G>A, p.Arg785His (NM_001351693.2); c.1677+1297G>A (NM_001351694.2); short protein forms R785H, R844H.
Identifiers: ClinVar variation 3361373 (VCV003361373.1).